The following is an entry in ClinVar:

NM_004985.5(KRAS):c.183A>T (p.Gln61His)

Gene: KRAS (KRas proto-oncogene, GTPase; minus strand). Cytogenetic location: 12p12.1.
Variant type: single nucleotide variant.
Coding change: c.183A>T on transcript NM_004985.5 (MANE Select); coding-DNA position 183, A replaced by T.
Protein change: p.Gln61His; replaces glutamine 61 with histidine.
Molecular consequence: missense variant.
Genome position (GRCh38, 1-based): chr12:25,227,341, T>A on the plus strand (A>T on the coding strand, the complement: KRAS is on the minus strand). VCF-style: chr12-25227341-T-A. GRCh37 (hg19) VCF-style: chr12-25380275-T-A.
Other names: c.183A>T, p.Gln61His (NM_001369786.1, NM_001369787.1, NM_033360.4); c.183A>T (NM_004985.4); short protein forms Q61H.
Identifiers: ClinVar variation 45117 (VCV000045117.9), dbSNP rs17851045, ClinGen allele CA135552.

ClinVar aggregate classification (germline): Pathogenic. Review status: criteria provided, multiple submitters, no conflicts (2 of 4 stars). 4 submissions from 4 submitters: Pathogenic (2). 2 of the submissions do not count toward it. Last evaluated 2024-08-12.
ClinVar aggregate classification (oncogenicity): Oncogenic (1 of 4 stars; one submission).

Conditions:
KRAS-related disorder. Also called: KRAS-related disorders; KRAS-related condition.
Vascular malformation. Also called: Vascular malformations. Identifiers: MedGen C0158570, MONDO:0024291.
Cerebral arteriovenous malformation (BAVM). Also called: Arteriovenous malformations of the brain; CEREBRAL ARTERIOVENOUS MALFORMATIONS. Identifiers: Orphanet 46724, MedGen C0917804, MONDO:0007154, OMIM 108010, HP:0002408.
Non-small cell lung carcinoma (NSCLC). Also called: Non-small cell lung cancer. Identifiers: MedGen C0007131, MeSH D002289, MONDO:0005233, HP:0030358. Disease mechanism: Other.
Neoplasm. Also called: tumor; Neoplasms; Neoplasm (disease). Identifiers: MedGen C0027651, MeSH D009369, MONDO:0005070, HP:0002664.

Submissions (5):

Center for Genomic Medicine, Rigshospitalet, Copenhagen University Hospital
Classification: Oncogenic for Neoplasm. Last evaluated: 2026-10-16. Review status: criteria provided, single submitter. Criteria: ClinGen/CGC/VICC Guidelines for Oncogenicity, 2022. Collection method: clinical testing. Allele origin: somatic. Affected: yes.

Clinical Genomics Laboratory, Washington University in St. Louis
Classification: Pathogenic for Vascular malformation. Last evaluated: 2024-08-12. Review status: criteria provided, single submitter. Criteria: Leon-Quintero et al. (Clin Genet. 2025). Collection method: clinical testing. Allele origin: somatic. Affected: yes.
Comment: A KRAS c.183A>T (p.Gln61His) variant was identified at an allelic fraction consistent with somatic origin. This variant has been reported in multiple individuals affected with vascular malformations (Al-Olabi L et al., PMID: 29461977; Li H et al., PMID: 34530633; Hong T et al., PMID: 30544177; Nikolaev SI et al., PMID: 29298116). This variant has been reported in the ClinVar database as a pathogenic somatic variant by two submitters (ClinVar Variation ID: 45117). It is absent from the general population (gnomAD v.4.1.0), indicating it is not a common variant. The KRAS c.183A>T (p.Gln61His) variant resides within the Switch II domain, amino acids 59-67, of KRAS that is defined as a critical functional domain (Gelb BD et al. PMID: 29493581). Computational predictors indicate that the variant is damaging, evidence that correlates with impact to KRAS function. In support of this prediction, functional studies show increased ERK activation and transforming potential, indicating that this variant impacts protein function (Huynh MV et al., PMID: 35944066; Smith G et al., PMID: 20147967). The KRAS gene is defined by the ClinGen RASopathies expert panel as a gene that has a low rate of benign missense variation and where pathogenic missense variants are a common mechanism of disease. Another variant in the same codon, c.183A>C (p.Gln61His), has been reported in multiple individuals affected with vascular malformations (Luo Su et al., PMID: 25219651; Al-Olabi et al, PMID: 29461977). Based on available information and an internally developed protocol informed by the ACMG/AMP guidelines for variant interpretation and gene-specific practices from the ClinGen Criteria Specification Registry (Leon-Quintero FZ et al., PMID: 39434542), KRAS c.183A>T (p.Gln61His) variant is classified as pathogenic.

Blueprint Genetics
Classification: Pathogenic for KRAS-related disorders. Last evaluated: 2023-09-19. Review status: criteria provided, single submitter. Criteria: ACMG Guidelines, 2015. Collection method: clinical testing. Allele origin: germline. Affected: yes. Observed: 1 variant allele.

Laboratory for Molecular Medicine, Mass General Brigham Personalized Medicine
Classification: Pathogenic for Non-small cell lung carcinoma. Last evaluated: 2007-12-07. Review status: no assertion criteria provided. Collection method: clinical testing. Allele origin: somatic. Observed: 16 variant alleles. Not counted in ClinVar's aggregate classification.

Seattle Children's Hospital Molecular Genetics Laboratory, Seattle Children's Hospital
Classification: Pathogenic for Cerebral arteriovenous malformation. Review status: no assertion criteria provided. Collection method: clinical testing. Allele origin: somatic. Affected: yes. Not counted in ClinVar's aggregate classification.

Literature cited by the submitters: PubMed 15696205 (cited by Laboratory for Molecular Medicine, Mass General Brigham Personalized Medicine).